The following is an entry in ClinVar:

ClinVar aggregate classification (germline): Pathogenic (1 of 4 stars; one submission).

Conditions:
Breast-ovarian cancer, familial, susceptibility to, 2 (BROVCA2). Also called: BRCA2 Hereditary Breast and Ovarian Cancer. Identifiers: Orphanet 145, MedGen C2675520, MONDO:0012933, OMIM 612555. Disease mechanism: loss of function.

Submission:

MGZ Medical Genetics Center
Classification: Pathogenic for Breast-ovarian cancer, familial, susceptibility to, 2. Last evaluated: 2021-10-01. Review status: criteria provided, single submitter. Criteria: ACMG Guidelines, 2015. Collection method: clinical testing. Allele origin: germline. Affected: yes. Observed: 1 variant allele.
Comment: ACMG criteria applied: PVS1, PM2_SUP, PP4

NM_000059.4(BRCA2):c.2424dup (p.Leu809fs)

Gene: BRCA2 (BRCA2 DNA repair associated; plus strand). Cytogenetic location: 13q13.1.
Variant type: Duplication.
Coding change: c.2424dup on transcript NM_000059.4 (MANE Select); coding-DNA position 2424, one base duplicated (A; older notation c.2424dupA).
Protein change: p.Leu809fs; shifts the reading frame from leucine 809.
Molecular consequence: frameshift variant.
Genome position (GRCh38, 1-based): chr13:32,336,779, A duplicated; the last of 2 consecutive A bases (chr13:32,336,778-32,336,779); duplicating either gives the same sequence. VCF-style (leftmost placement, unchanged base first): chr13-32336777-G-GA. GRCh37 (hg19) VCF-style: chr13-32910914-G-GA.
Other names: c.2424dup, p.Leu809Ilefs (NM_001406719.1, NM_001406720.1); short protein forms L809fs.
Identifiers: ClinVar variation 1710051 (VCV001710051.2), dbSNP rs2548523876, ClinGen allele CA2580087269.